The following is an entry in ClinVar:

NM_001267550.2(TTN):c.24075T>G (p.Ile8025Met)

Gene: TTN (titin; minus strand). Cytogenetic location: 2q31.2.
Variant type: single nucleotide variant.
Coding change: c.24075T>G on transcript NM_001267550.2 (MANE Select); coding-DNA position 24075, T replaced by G.
Protein change: p.Ile8025Met; replaces isoleucine 8025 with methionine.
Molecular consequence: missense variant. On other transcripts: intron variant (3).
Genome position (GRCh38, 1-based): chr2:178,719,315, A>C on the plus strand (T>G on the coding strand, the complement: TTN is on the minus strand). VCF-style: chr2-178719315-A-C. GRCh37 (hg19) VCF-style: chr2-179584042-A-C.
Other names: p.I7708M:ATT>ATG; c.13282+18767T>G (NM_003319.4); c.13858+18767T>G (NM_133437.4); c.13657+18767T>G (NM_133432.3); c.23124T>G, p.Ile7708Met (NM_001256850.1); c.20343T>G, p.Ile6781Met (NM_133378.4); short protein forms I6781M, I8025M, I7708M.
Identifiers: ClinVar variation 179055 (VCV000179055.53), dbSNP rs371496970, ClinGen allele CA183635.

ClinVar aggregate classification (germline): Conflicting classifications of pathogenicity. Review status: criteria provided, conflicting classifications (1 of 4 stars). 14 submissions from 10 submitters: Uncertain significance (1); Benign (8); Likely benign (5). Last evaluated 2026-07-01.

Conditions:
TTN-related disorder. Also called: TTN-related disorders; TTN-related condition; TTN-related disease.
Autosomal recessive limb-girdle muscular dystrophy type 2J (LGMDR10). Also called: Limb-girdle muscular dystrophy, type 2J; MUSCULAR DYSTROPHY, LIMB-GIRDLE, AUTOSOMAL RECESSIVE 10. Identifiers: Orphanet 140922, MedGen C1837342, MONDO:0012127, OMIM 608807.
Dilated cardiomyopathy 1G (CMD1G). Identifiers: Orphanet 154, MedGen C1858763, MONDO:0011400, OMIM 604145.
Early-onset myopathy with fatal cardiomyopathy (CMYO5). Also called: Salih Myopathy; CONGENITAL MYOPATHY 5 WITH CARDIOMYOPATHY. Identifiers: Orphanet 289377, MedGen C2673677, MONDO:0012714, OMIM 611705. Disease mechanism: loss of function.
Myopathy, myofibrillar, 9, with early respiratory failure (MFM9). Also called: Myopathy, distal, with early respiratory failure, autosomal dominant; EDSTROM MYOPATHY; MYOPATHY, PROXIMAL, WITH EARLY RESPIRATORY MUSCLE INVOLVEMENT; Hereditary myopathy with early respiratory failure. Identifiers: Orphanet 178464, Orphanet 34521, MedGen C1863599, MONDO:0011362, OMIM 603689.
Tibial muscular dystrophy (TMD). Also called: Udd Distal Myopathy – Tibial Muscular Dystrophy; UDD MYOPATHY; Tibial muscular dystrophy, tardive. Identifiers: Orphanet 609, MedGen C1838244, MONDO:0010870, OMIM 600334.

Allele frequency attached by ClinVar (database versions not stated): gnomAD 0.00002 and 0.00035; ESP Exome Variant Server 0.00008; TOPMed 0.00008; gnomAD exomes 0.00116; ExAC 0.00122; 1000 Genomes Project 30x 0.00250; 1000 Genomes Project 0.00280.
gnomAD v4.1: 966 of 1,613,674 alleles (0.06%); highest among the groups gnomAD compares: South Asian, 1%; 10 homozygotes.

Submissions (15):

CeGaT Center for Human Genetics Tuebingen
Classification: Likely benign. Last evaluated: 2026-07-01. Review status: criteria provided, single submitter. Criteria: CeGaT Center For Human Genetics Tuebingen Variant Classification Criteria Version 2. Collection method: clinical testing. Allele origin: germline. Affected: yes. Observed: 3 variant alleles.
Comment: TTN: BP4, BS1

Labcorp Genetics (formerly Invitae), Labcorp
Classification: Benign for Dilated cardiomyopathy 1G; Autosomal recessive limb-girdle muscular dystrophy type 2J. Last evaluated: 2026-02-01. Review status: criteria provided, single submitter. Criteria: Invitae Variant Classification Sherloc (09022015). Collection method: clinical testing. Allele origin: germline.

PreventionGenetics, part of Exact Sciences
Classification: Benign for TTN-related condition. Last evaluated: 2025-03-22. Review status: criteria provided, single submitter. Criteria: ACMG Guidelines, 2015. Collection method: clinical testing. Allele origin: germline.
Comment: This variant is classified as benign based on ACMG/AMP sequence variant interpretation guidelines (Richards et al. 2015 PMID: 25741868, with internal and published modifications).

Mayo Clinic Laboratories, Mayo Clinic
Classification: Benign. Last evaluated: 2025-01-20. Review status: criteria provided, single submitter. Criteria: ACMG Guidelines, 2015. Collection method: clinical testing. Allele origin: germline. Observed: 1 variant allele.
Comment: BS1, BS2

Blueprint Genetics
Classification: Likely benign. Last evaluated: 2024-02-15. Review status: criteria provided, single submitter. Criteria: ACMG Guidelines, 2015. Collection method: clinical testing. Allele origin: germline.

Women's Health and Genetics/Laboratory Corporation of America, LabCorp
Classification: Benign. Last evaluated: 2021-06-01. Review status: criteria provided, single submitter. Criteria: LabCorp Variant Classification Summary - May 2015. Collection method: clinical testing. Allele origin: germline.
Comment: Variant summary: TTN c.20343T>G (p.Ile6781Met) results in a conservative amino acid change located in the I-band domain of the encoded protein sequence. Three of five in-silico tools predict a benign effect of the variant on protein function. The variant allele was found at a frequency of 0.0012 in 248868 control chromosomes, predominantly at a frequency of 0.0092 within the South Asian subpopulation in the gnomAD database, including 4 homozygotes. The observed variant frequency within South Asian control individuals in the gnomAD database is approximately 24 fold of the estimated maximal expected allele frequency for a pathogenic variant in TTN causing Dilated Cardiomyopathy phenotype (0.00039), strongly suggesting that the variant is a benign polymorphism found primarily in populations of South Asian origin. To our knowledge, no experimental evidence demonstrating its impact on protein function have been reported. Seven ClinVar submitters (evaluation after 2014) cite the variant as uncertain significance (n=1), likely benign (n=2) and benign (n=4). Based on the evidence outlined above, the variant was classified as benign.

Illumina Laboratory Services, Illumina
Classification: Benign for Tibial muscular dystrophy. Last evaluated: 2018-01-13. Review status: criteria provided, single submitter. Criteria: ICSL Variant Classification Criteria 13 December 2019. Collection method: clinical testing. Allele origin: germline.
Comment: This variant was observed in the ICSL laboratory as part of a predisposition screen in an ostensibly healthy population. It had not been previously curated by ICSL or reported in the Human Gene Mutation Database (HGMD: prior to June 1st, 2018), and was therefore a candidate for classification through an automated scoring system. Utilizing variant allele frequency, disease prevalence and penetrance estimates, and inheritance mode, an automated score was calculated to assess if this variant is too frequent to cause the disease. Based on the score and internal cut-off values, a variant classified as benign is not then subjected to further curation. The score for this variant resulted in a classification of benign for this disease.

Illumina Laboratory Services, Illumina
Classification: Benign for Myopathy, myofibrillar, 9, with early respiratory failure. Last evaluated: 2018-01-13. Review status: criteria provided, single submitter. Criteria: ICSL Variant Classification Criteria 13 December 2019. Collection method: clinical testing. Allele origin: germline.
Comment: the same text as in the submission from Illumina Laboratory Services, Illumina above.

Illumina Laboratory Services, Illumina
Classification: Likely benign for Dilated cardiomyopathy 1G. Last evaluated: 2018-01-13. Review status: criteria provided, single submitter. Criteria: ICSL Variant Classification Criteria 13 December 2019. Collection method: clinical testing. Allele origin: germline.
Comment: This variant was observed in the ICSL laboratory as part of a predisposition screen in an ostensibly healthy population. It had not been previously curated by ICSL or reported in the Human Gene Mutation Database (HGMD: prior to June 1st, 2018), and was therefore a candidate for classification through an automated scoring system. Utilizing variant allele frequency, disease prevalence and penetrance estimates, and inheritance mode, an automated score was calculated to assess if this variant is too frequent to cause the disease. Based on the score and internal cut-off values, a variant classified as likely benign is not then subjected to further curation. The score for this variant resulted in a classification of likely benign for this disease.

Illumina Laboratory Services, Illumina
Classification: Uncertain significance for Autosomal recessive limb-girdle muscular dystrophy type 2J. Last evaluated: 2018-01-13. Review status: criteria provided, single submitter. Criteria: ICSL Variant Classification Criteria 13 December 2019. Collection method: clinical testing. Allele origin: germline.

Illumina Laboratory Services, Illumina
Classification: Likely benign for Early-onset myopathy with fatal cardiomyopathy. Last evaluated: 2018-01-13. Review status: criteria provided, single submitter. Criteria: ICSL Variant Classification Criteria 13 December 2019. Collection method: clinical testing. Allele origin: germline.
Comment: the same text as in the submission from Illumina Laboratory Services, Illumina above.

Laboratory for Molecular Medicine, Mass General Brigham Personalized Medicine
Classification: Likely benign. Last evaluated: 2016-08-04. Review status: criteria provided, single submitter. Criteria: LMM Criteria. Collection method: clinical testing. Allele origin: germline. Observed: 2 variant alleles.
Comment: p.Ile6781Met in exon 80 of TTN: This variant is not expected to have clinical si gnificance because it is not located within the splice consensus sequence. It h as been identified in 0.9% (144/16512) of South Asian chromosomes, including 2 h omozygotes, by the Exome Aggregation Consortium (ExAC; dbSNP rs371496970).

GeneDx
Classification: Benign. Last evaluated: 2016-03-25. Review status: criteria provided, single submitter. Criteria: GeneDx Variant Classification (06012015). Collection method: clinical testing. Allele origin: germline. Affected: yes.
Comment: This variant is considered likely benign or benign based on one or more of the following criteria: it is a conservative change, it occurs at a poorly conserved position in the protein, it is predicted to be benign by multiple in silico algorithms, and/or has population frequency not consistent with disease.

Eurofins Ntd Llc (ga)
Classification: Benign. Last evaluated: 2015-09-03. Review status: criteria provided, single submitter. Criteria: EGL Classification Definitions 2015. Collection method: clinical testing. Allele origin: germline. Observed: 1 variant allele, 1 heterozygote.

Dr. Peter K. Rogan Lab, Western University
No classification provided (evidence only). Condition: Thyroid cancer, nonmedullary, 1. Review status: no classification provided. Collection method: in vitro. Allele origin: not applicable. Functional consequence: retained intron. Not counted in ClinVar's aggregate classification.

Literature cited by the submitters: PubMed 23396983 (cited by Laboratory for Molecular Medicine, Mass General Brigham Personalized Medicine).